The following is an entry in ClinVar:

ClinVar aggregate classification (germline): Uncertain significance. Review status: criteria provided, multiple submitters, no conflicts (2 of 4 stars). 4 submissions from 4 submitters: Uncertain significance (4). Last evaluated 2025-06-12.

Conditions:
Hereditary cancer-predisposing syndrome. Also called: Neoplastic Syndromes, Hereditary; Hereditary neoplastic syndrome; Tumor predisposition; Hereditary Cancer Syndrome. Identifiers: Orphanet 140162, MedGen C0027672, MeSH D009386, MONDO:0015356.
Tuberous sclerosis syndrome (TSC). Also called: Tuberous Sclerosis Complex; Tuberous sclerosis. Identifiers: Orphanet 805, MedGen C0041341, MONDO:0001734.
Tuberous sclerosis 2 (TSC2). Identifiers: Orphanet 805, MedGen C1860707, MONDO:0013199, OMIM 613254.

Allele frequency attached by ClinVar (database versions not stated): TOPMed 0.00001.
gnomAD v4.1: 1 of 1,613,624 alleles (0.000062%); highest among the groups gnomAD compares: Non-Finnish European, 0.000085%; no homozygotes.

Submissions (4):

Ambry Genetics
Classification: Uncertain significance for Hereditary cancer-predisposing syndrome. Last evaluated: 2025-06-12. Review status: criteria provided, single submitter. Criteria: Ambry Variant Classification Scheme 2023. Collection method: clinical testing. Allele origin: germline.
Comment: The p.P744R variant (also known as c.2231C>G), located in coding exon 20 of the TSC2 gene, results from a C to G substitution at nucleotide position 2231. The proline at codon 744 is replaced by arginine, an amino acid with dissimilar properties. This amino acid position is not well conserved in available vertebrate species. In addition, the in silico prediction for this alteration is inconclusive. Since supporting evidence is limited at this time, the clinical significance of this alteration remains unclear.

Labcorp Genetics (formerly Invitae), Labcorp
Classification: Uncertain significance for Tuberous sclerosis 2. Last evaluated: 2024-10-09. Review status: criteria provided, single submitter. Criteria: Invitae Variant Classification Sherloc (09022015). Collection method: clinical testing. Allele origin: germline.
Comment: This sequence change replaces proline, which is neutral and non-polar, with arginine, which is basic and polar, at codon 744 of the TSC2 protein (p.Pro744Arg). This variant is not present in population databases (gnomAD no frequency). This variant has not been reported in the literature in individuals affected with TSC2-related conditions. ClinVar contains an entry for this variant (Variation ID: 535876). Invitae Evidence Modeling of protein sequence and biophysical properties (such as structural, functional, and spatial information, amino acid conservation, physicochemical variation, residue mobility, and thermodynamic stability) indicates that this missense variant is not expected to disrupt TSC2 protein function with a negative predictive value of 95%. In summary, the available evidence is currently insufficient to determine the role of this variant in disease. Therefore, it has been classified as a Variant of Uncertain Significance.

All of Us Research Program, National Institutes of Health
Classification: Uncertain significance for Tuberous sclerosis syndrome. Last evaluated: 2024-05-09. Review status: criteria provided, single submitter. Criteria: ACMG Guidelines, 2015. Collection method: clinical testing. Allele origin: germline. Inheritance: Autosomal dominant inheritance. Observed: 1 variant allele, 1 heterozygote.
Comment: This study involves interpretation of variants in research participants for the purpose of population health screening. Participant phenotype was not available at the time of variant classification. Additional details can be found in publication PMID: 35346344, PMCID: PMC8962531

GeneDx
Classification: Uncertain significance. Last evaluated: 2024-04-05. Review status: criteria provided, single submitter. Criteria: GeneDx Variant Classification Process June 2021. Collection method: clinical testing. Allele origin: germline. Affected: yes.
Comment: Not observed at significant frequency in large population cohorts (gnomAD); In silico analysis indicates that this missense variant does not alter protein structure/function; Has not been previously published as pathogenic or benign to our knowledge

NM_000548.5(TSC2):c.2231C>G (p.Pro744Arg)

Gene: TSC2 (TSC complex subunit 2; plus strand). Cytogenetic location: 16p13.3.
Variant type: single nucleotide variant.
Coding change: c.2231C>G on transcript NM_000548.5 (MANE Select); coding-DNA position 2231, C replaced by G.
Protein change: p.Pro744Arg; replaces proline 744 with arginine.
Molecular consequence: missense variant.
Genome position (GRCh38, 1-based): chr16:2,072,859, C>G. VCF-style: chr16-2072859-C-G. GRCh37 (hg19) VCF-style: chr16-2122860-C-G.
Other names: c.2231C>G, p.Pro744Arg (NM_001077183.3, NM_001114382.3, NM_001363528.2 and 3 more transcripts); c.2120C>G, p.Pro707Arg (NM_001318827.2); c.2084C>G, p.Pro695Arg (NM_001318829.2); c.1631C>G, p.Pro544Arg (NM_001318831.2); c.2264C>G, p.Pro755Arg (NM_001318832.2); short protein forms P744R, P755R, P695R, P544R, P707R.
Identifiers: ClinVar variation 535876 (VCV000535876.15), dbSNP rs774759789, ClinGen allele CA394276222.